The following is an entry in ClinVar:

ClinVar aggregate classification (germline): Benign (1 of 4 stars; one submission).

Conditions:
Erythrocytosis, familial, 3 (ECYT3). Identifiers: Orphanet 247511, MedGen C1853286, MONDO:0012353, OMIM 609820.

Allele frequency attached by ClinVar (database versions not stated): 1000 Genomes Project 0.00100; 1000 Genomes Project 30x 0.00156; gnomAD exomes 0.00980; gnomAD 0.00056 and 0.00038; TOPMed 0.00093.

Submission:

Illumina Laboratory Services, Illumina
Classification: Benign for Erythrocytosis, familial, 3. Last evaluated: 2018-01-13. Review status: criteria provided, single submitter. Criteria: ICSL Variant Classification Criteria 13 December 2019. Collection method: clinical testing. Allele origin: germline.
Comment: This variant was observed in the ICSL laboratory as part of a predisposition screen in an ostensibly healthy population. It had not been previously curated by ICSL or reported in the Human Gene Mutation Database (HGMD: prior to June 1st, 2018), and was therefore a candidate for classification through an automated scoring system. Utilizing variant allele frequency, disease prevalence and penetrance estimates, and inheritance mode, an automated score was calculated to assess if this variant is too frequent to cause the disease. Based on the score and internal cut-off values, a variant classified as benign is not then subjected to further curation. The score for this variant resulted in a classification of benign for this disease.

NM_022051.2(EGLN1):c.-786G>A

Gene: EGLN1 (egl-9 family hypoxia inducible factor 1; minus strand). Cytogenetic location: 1q42.2.
Variant type: single nucleotide variant.
Coding change: c.-786G>A on transcript NM_022051.2; 786 bases upstream of the start codon, G replaced by A.
Genome position (GRCh38, 1-based): chr1:231,422,674, C>T on the plus strand (G>A on the coding strand, the complement: EGLN1 is on the minus strand). VCF-style: chr1-231422674-C-T. GRCh37 (hg19) VCF-style: chr1-231558420-C-T.
Identifiers: ClinVar variation 296216 (VCV000296216.7), dbSNP rs190966487, ClinGen allele CA10609495.